The following is an entry in ClinVar:

ClinVar aggregate classification (germline): Uncertain significance (1 of 4 stars; one submission).

Conditions:
MYO5B-related disorder. Also called: MYO5B-related condition.

Submission:

PreventionGenetics, part of Exact Sciences
Classification: Uncertain significance for MYO5B-related condition. Last evaluated: 2025-09-14. Review status: criteria provided, single submitter. Criteria: ACMG Guidelines, 2015. Collection method: clinical testing. Allele origin: germline.
Comment: The MYO5B c.3841_3842delinsAA variant is predicted to result in an in-frame deletion and insertion. To our knowledge, this variant has not been reported in the literature or in a large population database (gnomAD), indicating this variant is rare. At this time, the clinical significance of this variant is uncertain due to the absence of conclusive functional and genetic evidence.

NM_001080467.3(MYO5B):c.3841_3842delinsAA (p.Ala1281Lys)

Gene: MYO5B (myosin VB; minus strand). Cytogenetic location: 18q21.1.
Variant type: Indel.
Coding change: c.3841_3842delinsAA on transcript NM_001080467.3 (MANE Select); coding-DNA positions 3841 to 3842, GC replaced by AA.
Protein change: p.Ala1281Lys; replaces alanine 1281 with lysine.
Molecular consequence: missense variant.
Genome position (GRCh38, 1-based): chr18:49,864,142-49,864,143, GC replaced by TT on the plus strand (GC replaced by AA on the coding strand, the reverse complement: MYO5B is on the minus strand). VCF-style: chr18-49864142-GC-TT. GRCh37 (hg19) VCF-style: chr18-47390512-GC-TT.
Other names: short protein forms A1281K.
Identifiers: ClinVar variation 4991480 (VCV004991480.1).